The following is an entry in ClinVar:

NM_000090.4(COL3A1):c.3947G>A (p.Trp1316Ter)

Gene: COL3A1 (collagen type III alpha 1 chain; plus strand). Cytogenetic location: 2q32.2.
Variant type: single nucleotide variant.
Coding change: c.3947G>A on transcript NM_000090.4 (MANE Select); coding-DNA position 3947, G replaced by A.
Protein change: p.Trp1316Ter; replaces tryptophan 1316 with a stop codon.
Molecular consequence: nonsense.
Genome position (GRCh38, 1-based): chr2:189,010,301, G>A. VCF-style: chr2-189010301-G-A. GRCh37 (hg19) VCF-style: chr2-189875027-G-A.
Other names: short protein forms W1316*.
Identifiers: ClinVar variation 4685716 (VCV004685716.1).
Genomic context (GRCh38, chr2:189,010,301, plus strand): 5'-TGGAAACTGGGGAAACATGCATAAGTGCCAATCCTTTGAATGTTCCACGGAAACACTGGT[G>A]GACAGATTCTAGTGCTGAGAAGAAACACGTTTGGTTTGGAGAGTCCATGGATGGTGGTTT-3'

ClinVar aggregate classification (germline): Pathogenic (1 of 4 stars; one submission).

Submission:

ARUP Laboratories, Molecular Genetics and Genomics, ARUP Laboratories
Classification: Pathogenic. Last evaluated: 2025-03-27. Review status: criteria provided, single submitter. Criteria: ARUP Molecular Germline Variant Investigation Process 2024. Collection method: clinical testing. Allele origin: germline.
Comment: The COL3A1 c.3947G>A; p.Trp1316Ter variant, to our knowledge, is not reported in the medical literature or gene specific databases. This variant is also absent from the Genome Aggregation Database (v2.1.1), indicating it is not a common polymorphism. This variant induces an early termination codon and is predicted to result in a truncated protein or mRNA subject to nonsense-mediated decay. Based on available information, this variant is considered to be pathogenic.